The following is an entry in ClinVar:

ClinVar aggregate classification (germline): Pathogenic (1 of 4 stars; one submission).

Allele frequency attached by ClinVar (database versions not stated): gnomAD exomes below 0.00001; ExAC 0.00001; gnomAD 0.00001; TOPMed 0.00001.

Submission:

Labcorp Genetics (formerly Invitae), Labcorp
Classification: Pathogenic. Last evaluated: 2023-08-31. Review status: criteria provided, single submitter. Criteria: Invitae Variant Classification Sherloc (09022015). Collection method: clinical testing. Allele origin: germline.
Comment: This sequence change creates a premature translational stop signal (p.Tyr173Alafs*9) in the CHRNG gene. It is expected to result in an absent or disrupted protein product. Loss-of-function variants in CHRNG are known to be pathogenic (PMID: 16826520). This variant is present in population databases (rs765868304, gnomAD 0.0009%). This variant has not been reported in the literature in individuals affected with CHRNG-related conditions. For these reasons, this variant has been classified as Pathogenic.

Literature cited by the submitters: PubMed 16826520.

NM_005199.5(CHRNG):c.517_520del (p.Tyr173fs)

Gene: CHRNG (cholinergic receptor nicotinic gamma subunit; plus strand). Cytogenetic location: 2q37.1.
Variant type: Deletion.
Coding change: c.517_520del on transcript NM_005199.5 (MANE Select); coding-DNA positions 517 to 520, 4 bases deleted (TACA; older notation c.517_520delTACA).
Protein change: p.Tyr173fs; shifts the reading frame from tyrosine 173.
Molecular consequence: frameshift variant.
Genome position (GRCh38, 1-based): chr2:232,542,433-232,542,436, TACA deleted. VCF-style (leftmost placement, unchanged base first): chr2-232542432-TTACA-T. GRCh37 (hg19) VCF-style: chr2-233407142-TTACA-T.
Other names: short protein forms Y173fs.
Identifiers: ClinVar variation 2989017 (VCV002989017.3), dbSNP rs765868304, ClinGen allele CA2168711.
Genomic context (GRCh38, chr2:232,542,432, plus strand): 5'-CGTGGCAGGTCCACCCGCTCACATTTAGCCTCTTTCCTCGGTGACTCCCAGGTCCCAGAC[TTACA>T]GCACCAATGAGATTGATCTGCAGCTGAGTCAGGAAGATGGCCAGACCATCGAGTGGATTT-3'